The following is an entry in ClinVar:

NM_002734.5(PRKAR1A):c.316A>C (p.Thr106Pro)

Gene: PRKAR1A (protein kinase cAMP-dependent type I regulatory subunit alpha; plus strand). Cytogenetic location: 17q24.2.
Variant type: single nucleotide variant.
Coding change: c.316A>C on transcript NM_002734.5 (MANE Select); coding-DNA position 316, A replaced by C.
Protein change: p.Thr106Pro; replaces threonine 106 with proline.
Molecular consequence: missense variant.
Genome position (GRCh38, 1-based): chr17:68,522,894, A>C. VCF-style: chr17-68522894-A-C. GRCh37 (hg19) VCF-style: chr17-66519035-A-C.
Other names: c.316A>C, p.Thr106Pro (NM_001276289.2, NM_001276290.1, NM_001278433.2 and 4 more transcripts); short protein forms T106P.
Identifiers: ClinVar variation 4862507 (VCV004862507.1).
Genomic context (GRCh38, chr17:68,522,894, plus strand): 5'-CCACCCAACCCAGTGGTTAAAGGTAGGAGGCGACGAGGTGCTATCAGCGCTGAGGTCTAC[A>C]CGGAGGAAGATGCGGCATCCTATGTTAGAAAGGTAGTTTTGATATTTGAATATCGGGGGG-3'
Protein context (NP_002725.1, residues 96-116): RRGAISAEVY[Thr106Pro]EEDAASYVRK

ClinVar aggregate classification (germline): Uncertain significance (1 of 4 stars; one submission).

Conditions:
Hereditary cancer-predisposing syndrome. Also called: Neoplastic Syndromes, Hereditary; Tumor predisposition; Hereditary Cancer Syndrome; Hereditary neoplastic syndrome. Identifiers: Orphanet 140162, MedGen C0027672, MeSH D009386, MONDO:0015356.

Submission:

Ambry Genetics
Classification: Uncertain significance for Hereditary cancer-predisposing syndrome. Last evaluated: 2026-04-15. Review status: criteria provided, single submitter. Criteria: Ambry Variant Classification Scheme 2023. Collection method: clinical testing. Allele origin: germline.
Comment: The p.T106P variant (also known as c.316A>C), located in coding exon 2 of the PRKAR1A gene, results from an A to C substitution at nucleotide position 316. The threonine at codon 106 is replaced by proline, an amino acid with highly similar properties. This amino acid position is conserved. In addition, this alteration is predicted to be deleterious by in silico analysis. Based on the available evidence, the clinical significance of this variant remains unclear.